The following is an entry in ClinVar:

ClinVar aggregate classification (germline): Pathogenic (0 of 4 stars; one submission).

Conditions:
Carcinoma of colon (CRC). Also called: Colonic carcinoma; Colon carcinoma. Identifiers: MedGen C0699790, MONDO:0002032.

Submission:

Department of Pathology and Laboratory Medicine, Sinai Health System
Classification: Pathogenic for Carcinoma of colon. Review status: no assertion criteria provided. Collection method: clinical testing. Allele origin: unknown. Affected: yes. Study: The Canadian Open Genetics Repository (COGR).
Comment: The MSH6 p.Gly1292IlefsX40 variant was not identified in the literature nor was it identified in the dbSNP, ClinVar, Cosmic, MutDB, Insight Colon Cancer Gene Variant Database, Zhejiang Colon Cancer Database, Mismatch Repair Genes Variant Database, Insight Hereditary Tumors Database, databases. The variant was not identified in the 1000 Genomes Project, the NHLBI GO Exome Sequencing Project or the Exome Aggregation Consortium (August 8th 2016) control databases. The c.3860_3873dup variant is predicted to cause a frameshift, which alters the protein's amino acid sequence beginning at codon 1292 and leads to a premature stop codon 40 codons downstream. This alteration is then predicted to result in a truncated or absent protein and loss of function. Loss of function variants of the MSH6 gene are an established mechanism of disease in Lynch syndrome and this is the type of variant expected to cause the disorder. In summary, based on the above information, this variant meets our laboratoryâ€šÃ„Ã´s criteria to be classified as pathogenic.

NM_000179.3(MSH6):c.3860_3873dup (p.Gly1292fs)

Gene: MSH6 (mutS homolog 6; plus strand). Cytogenetic location: 2p16.3.
Variant type: Duplication.
Coding change: c.3860_3873dup on transcript NM_000179.3 (MANE Select); coding-DNA positions 3860 to 3873, 14 bases duplicated (ATAAATTCATTAAG).
Protein change: p.Gly1292fs; shifts the reading frame from glycine 1292.
Molecular consequence: frameshift variant.
Genome position (GRCh38, 1-based): chr2:47,806,510-47,806,523, ATAAATTCATTAAG duplicated. VCF-style (leftmost placement, unchanged base first): chr2-47806509-T-TATAAATTCATTAAG. GRCh37 (hg19) VCF-style: chr2-48033648-T-TATAAATTCATTAAG.
Other names: c.3470_3483dup, p.Gly1162fs (NM_001281492.2); c.2954_2967dup, p.Gly990fs (NM_001281493.2, NM_001281494.2); short protein forms G1162fs, G1292fs, G990fs.
Identifiers: ClinVar variation 1050249 (VCV001050249.1), dbSNP rs2104556388, ClinGen allele CA2499216138.